The following is an entry in ClinVar:

NM_001077365.2(POMT1):c.1932C>T (p.Tyr644=)

Gene: POMT1 (protein O-mannosyltransferase 1; plus strand). Cytogenetic location: 9q34.13.
Variant type: single nucleotide variant.
Coding change: c.1932C>T on transcript NM_001077365.2 (MANE Select); coding-DNA position 1932, C replaced by T.
Protein change: p.Tyr644=; no amino-acid change (tyrosine 644 retained).
Molecular consequence: synonymous variant. On other transcripts: non-coding transcript variant (10).
Genome position (GRCh38, 1-based): chr9:131,522,153, C>T. VCF-style: chr9-131522153-C-T. GRCh37 (hg19) VCF-style: chr9-134397540-C-T.
Other names: c.1770C>T, p.Tyr590= (NM_001077366.2, NM_001353194.2); c.1932C>T, p.Tyr644= (NM_001136113.2); c.1581C>T, p.Tyr527= (NM_001136114.2, NM_001353195.2, NM_001374691.1 and 2 more transcripts); c.1998C>T, p.Tyr666= (NM_001353193.2, NM_007171.4); c.1842C>T, p.Tyr614= (NM_001353196.2); c.1836C>T, p.Tyr612= (NM_001353197.2, NM_001353198.2); c.1647C>T, p.Tyr549= (NM_001353199.2); c.1476C>T, p.Tyr492= (NM_001353200.2); and 3 more.
Identifiers: ClinVar variation 284058 (VCV000284058.34), dbSNP rs146512619, ClinGen allele CA5293881.

ClinVar aggregate classification (germline): Benign/Likely benign. Review status: criteria provided, multiple submitters, no conflicts (2 of 4 stars). 9 submissions from 9 submitters: Benign (2); Likely benign (4). 3 of the submissions do not count toward it. Last evaluated 2026-01-28.

Conditions:
Walker-Warburg congenital muscular dystrophy. Also called: Muscular dystrophy-dystroglycanopathy, type A; Walker-Warburg syndrome. Identifiers: Orphanet 899, MedGen C0265221, MONDO:0000171.
Muscular dystrophy-dystroglycanopathy (congenital with impaired intellectual development), type B, 1. Also called: Muscular dystrophy-dystroglycanopathy (congenital with intellectual disability), type B1; MUSCULAR DYSTROPHY, CONGENITAL, POMT1-RELATED. Identifiers: MedGen C5436962, MONDO:0013159, OMIM 613155.
Autosomal recessive limb-girdle muscular dystrophy type 2K. Also called: MUSCULAR DYSTROPHY-DYSTROGLYCANOPATHY (LIMB-GIRDLE), TYPE C, 1; MUSCULAR DYSTROPHY, LIMB-GIRDLE, TYPE 2K. Identifiers: Orphanet 86812, MedGen C1836373, MONDO:0012248, OMIM 609308.
FAM157B-related disorder. Also called: FAM157B-related condition.

Allele frequency attached by ClinVar (database versions not stated): 1000 Genomes Project 30x 0.00016; 1000 Genomes Project 0.00020; ExAC 0.00068; gnomAD 0.00168 and 0.00181; gnomAD exomes 0.00054; TOPMed 0.00228; ESP Exome Variant Server 0.00246.
gnomAD v4.1: 578 of 1,614,200 alleles (0.036%); highest among the groups gnomAD compares: African/African-American, 0.59%; 4 homozygotes.

Submissions (9):

Labcorp Genetics (formerly Invitae), Labcorp
Classification: Benign for Muscular dystrophy-dystroglycanopathy (congenital with impaired intellectual development), type B, 1; Walker-Warburg congenital muscular dystrophy; Autosomal recessive limb-girdle muscular dystrophy type 2K. Last evaluated: 2026-01-28. Review status: criteria provided, single submitter. Criteria: Invitae Variant Classification Sherloc (09022015). Collection method: clinical testing. Allele origin: germline.

CeGaT Center for Human Genetics Tuebingen
Classification: Likely benign. Last evaluated: 2025-07-01. Review status: criteria provided, single submitter. Criteria: CeGaT Center For Human Genetics Tuebingen Variant Classification Criteria Version 2. Collection method: clinical testing. Allele origin: germline. Affected: yes. Observed: 1 variant allele.
Comment: POMT1: BP4, BP7

Blueprint Genetics
Classification: Likely benign. Last evaluated: 2024-11-21. Review status: criteria provided, single submitter. Criteria: ACMG Guidelines, 2015. Collection method: clinical testing. Allele origin: germline.

GeneDx
Classification: Likely benign. Last evaluated: 2020-03-23. Review status: criteria provided, single submitter. Criteria: GeneDx Variant Classification Process June 2021. Collection method: clinical testing. Allele origin: germline. Affected: yes.

Athena Diagnostics
Classification: Benign. Last evaluated: 2018-03-23. Review status: criteria provided, single submitter. Criteria: Athena Diagnostics Criteria. Collection method: clinical testing. Allele origin: germline.

Eurofins Ntd Llc (ga)
Classification: Likely benign. Last evaluated: 2015-10-23. Review status: criteria provided, single submitter. Criteria: EGL Classification Definitions 2015. Collection method: clinical testing. Allele origin: germline. Observed: 1 variant allele, 1 heterozygote.

PreventionGenetics, part of Exact Sciences
Classification: Likely benign for FAM157B-related condition. Last evaluated: 2020-05-04. Review status: no assertion criteria provided. Collection method: clinical testing. Allele origin: germline. Not counted in ClinVar's aggregate classification.
Comment: This variant is classified as likely benign based on ACMG/AMP sequence variant interpretation guidelines (Richards et al. 2015 PMID: 25741868, with internal and published modifications).

Clinical Genetics DNA and cytogenetics Diagnostics Lab, Erasmus MC, Erasmus Medical Center
Classification: Likely benign. Review status: no assertion criteria provided. Collection method: clinical testing. Allele origin: germline. Affected: yes. Study: VKGL Data-share Consensus. Not counted in ClinVar's aggregate classification.

Laboratory of Diagnostic Genome Analysis, Leiden University Medical Center (LUMC)
Classification: Likely benign. Review status: no assertion criteria provided. Collection method: clinical testing. Allele origin: germline. Affected: yes. Study: VKGL Data-share Consensus. Not counted in ClinVar's aggregate classification.